The following is an entry in ClinVar:

NM_003331.5(TYK2):c.149C>T (p.Ser50Leu)

Gene: TYK2 (tyrosine kinase 2; minus strand). Cytogenetic location: 19p13.2.
Variant type: single nucleotide variant.
Coding change: c.149C>T on transcript NM_003331.5 (MANE Select); coding-DNA position 149, C replaced by T.
Protein change: p.Ser50Leu; replaces serine 50 with leucine.
Molecular consequence: missense variant.
Genome position (GRCh38, 1-based): chr19:10,378,258, G>A on the plus strand (C>T on the coding strand, the complement: TYK2 is on the minus strand). VCF-style: chr19-10378258-G-A. GRCh37 (hg19) VCF-style: chr19-10488934-G-A.
Other names: short protein forms S50L.
Identifiers: ClinVar variation 964676 (VCV000964676.6), dbSNP rs747484809, ClinGen allele CA9193878.

ClinVar aggregate classification (germline): Uncertain significance (1 of 4 stars; one submission).

Conditions:
Immunodeficiency 35 (IMD35). Also called: Susceptibility to infection due to TYK2 deficiency; TYK2 DEFICIENCY; HIES WITH ATYPICAL MYCOBACTERIOSIS, AUTOSOMAL RECESSIVE; HYPER-IgE SYNDROME WITH ATYPICAL MYCOBACTERIOSIS, AUTOSOMAL RECESSIVE. Identifiers: Orphanet 331226, MedGen C1969086, MONDO:0012682, OMIM 611521.

Allele frequency attached by ClinVar (database versions not stated): gnomAD 0.00001; ExAC 0.00002; gnomAD exomes 0.00002.

Submission:

Labcorp Genetics (formerly Invitae), Labcorp
Classification: Uncertain significance for Immunodeficiency 35. Last evaluated: 2019-09-30. Review status: criteria provided, single submitter. Criteria: Invitae Variant Classification Sherloc (09022015). Collection method: clinical testing. Allele origin: germline.
Comment: This sequence change replaces serine with leucine at codon 50 of the TYK2 protein (p.Ser50Leu). The serine residue is weakly conserved and there is a large physicochemical difference between serine and leucine. This variant is present in population databases (rs747484809, ExAC 0.009%). In summary, the available evidence is currently insufficient to determine the role of this variant in disease. Therefore, it has been classified as a Variant of Uncertain Significance. Algorithms developed to predict the effect of missense changes on protein structure and function are either unavailable or do not agree on the potential impact of this missense change (SIFT: "Deleterious"; PolyPhen-2: "Benign"; Align-GVGD: "Class C0"). This variant has not been reported in the literature in individuals with TYK2-related conditions.